The following is an entry in ClinVar:

NM_176869.3(PPA2):c.298C>T (p.Arg100Trp)

Gene: PPA2 (inorganic pyrophosphatase 2; minus strand). Cytogenetic location: 4q24.
Variant type: single nucleotide variant.
Coding change: c.298C>T on transcript NM_176869.3 (MANE Select); coding-DNA position 298, C replaced by T.
Protein change: p.Arg100Trp; replaces arginine 100 with tryptophan.
Molecular consequence: missense variant. On other transcripts: intron variant (2).
Genome position (GRCh38, 1-based): chr4:105,449,373, G>A on the plus strand (C>T on the coding strand, the complement: PPA2 is on the minus strand). VCF-style: chr4-105449373-G-A. GRCh37 (hg19) VCF-style: chr4-106370530-G-A.
Other names: c.298C>T, p.Arg100Trp (NM_006903.4); c.157+24521C>T (NM_176867.3); c.222+7308C>T (NM_176866.2); short protein forms R100W.
Identifiers: ClinVar variation 1315554 (VCV001315554.10), dbSNP rs371030884, ClinGen allele CA357803535.

ClinVar aggregate classification (germline): Uncertain significance. Review status: criteria provided, multiple submitters, no conflicts (2 of 4 stars). 3 submissions from 3 submitters: Uncertain significance (3). Last evaluated 2024-10-15.

Allele frequency attached by ClinVar (database versions not stated): gnomAD exomes 0.00002; TOPMed 0.00002.
gnomAD v4.1: 32 of 1,572,090 alleles (0.002%); highest among the groups gnomAD compares: Admixed American, 0.0035%; no homozygotes.

Submissions (3):

Labcorp Genetics (formerly Invitae), Labcorp
Classification: Uncertain significance. Last evaluated: 2024-10-15. Review status: criteria provided, single submitter. Criteria: Invitae Variant Classification Sherloc (09022015). Collection method: clinical testing. Allele origin: germline.
Comment: This sequence change replaces arginine, which is basic and polar, with tryptophan, which is neutral and slightly polar, at codon 100 of the PPA2 protein (p.Arg100Trp). This variant is present in population databases (no rsID available, gnomAD 0.007%). This variant has not been reported in the literature in individuals affected with PPA2-related conditions. ClinVar contains an entry for this variant (Variation ID: 1315554). Invitae Evidence Modeling of protein sequence and biophysical properties (such as structural, functional, and spatial information, amino acid conservation, physicochemical variation, residue mobility, and thermodynamic stability) indicates that this missense variant is expected to disrupt PPA2 protein function with a positive predictive value of 95%. Algorithms developed to predict the effect of sequence changes on RNA splicing suggest that this variant may disrupt the consensus splice site. In summary, the available evidence is currently insufficient to determine the role of this variant in disease. Therefore, it has been classified as a Variant of Uncertain Significance.

Blueprint Genetics
Classification: Uncertain significance. Last evaluated: 2024-04-11. Review status: criteria provided, single submitter. Criteria: ACMG Guidelines, 2015. Collection method: clinical testing. Allele origin: germline.

GeneDx
Classification: Uncertain significance. Last evaluated: 2019-05-14. Review status: criteria provided, single submitter. Criteria: GeneDx Variant Classification Process June 2021. Collection method: clinical testing. Allele origin: germline. Affected: yes.